The following is an entry in ClinVar:

NM_130839.5(UBE3A):c.815A>G (p.Asn272Ser)

Genes: SNHG14 (small nucleolar RNA host gene 14; plus strand), UBE3A (ubiquitin protein ligase E3A; minus strand). Cytogenetic location: 15q11.2.
Variant type: single nucleotide variant.
Coding change: c.815A>G on transcript NM_130839.5 (MANE Select); coding-DNA position 815, A replaced by G.
Protein change: p.Asn272Ser; replaces asparagine 272 with serine.
Molecular consequence: missense variant. On other transcripts: non-coding transcript variant (1), intron variant (2).
Genome position (GRCh38, 1-based): chr15:25,371,359, T>C on the plus strand (A>G on the coding strand, the complement: UBE3A is on the minus strand). VCF-style: chr15-25371359-T-C. GRCh37 (hg19) VCF-style: chr15-25616506-T-C.
Other names: NM_130839.5(UBE3A):c.815A>G; p.Asn272Ser; c.824A>G, p.Asn275Ser (NM_000462.5); c.815A>G, p.Asn272Ser (NM_001354505.1, NM_001354538.2, NM_001354545.2); c.755A>G, p.Asn252Ser (NM_001354506.2, NM_001354507.2, NM_001354508.2 and 17 more transcripts); c.638A>G, p.Asn213Ser (NM_001354546.2); c.301+4106A>G (NM_001354551.2); c.361+4106A>G (NM_001354550.2); short protein forms N252S, N213S, N272S, N275S.
Identifiers: ClinVar variation 156141 (VCV000156141.30), dbSNP rs139928148, ClinGen allele CA333443.
Genomic context (GRCh38, chr15:25,371,359, plus strand): 5'-TTTCTATTCTCCATTACGATAATGAACAAATTCAGATAATTAGGATCTCGAGAGTATACA[T>C]TGTGATACGTCAAGTCACATTCCACGTTAGGTGACAAATATACAAGTGCATTGAGAAAGG-3'
Protein context (NP_570854.1, residues 262-282): PNVECDLTYH[Asn272Ser]VYSRDPNYLN

ClinVar aggregate classification (germline): Benign. Review status: reviewed by expert panel (3 of 4 stars). 10 submissions from 10 submitters: Benign (1). 9 of the submissions do not count toward it. Last evaluated 2022-08-25.

Conditions:
UBE3A-related disorder. Also called: UBE3A-related condition.
Inborn genetic diseases. Identifiers: MedGen C0950123, MeSH D030342.
Angelman syndrome (AS). Also called: HAPPY PUPPET SYNDROME. Identifiers: Orphanet 72, MedGen C0162635, MONDO:0007113, OMIM 105830. Disease mechanism: loss of function. Inheritance: AS is caused by disruption of maternally imprinted UBE3A located within the 15q11.2-q13 Angelman syndrome/Prader-Willi syndrome (AS/PWS) region., imprinting disorder.

Allele frequency attached by ClinVar (database versions not stated): gnomAD 0.00009 and 0.00010; gnomAD exomes 0.00010; 1000 Genomes Project 30x 0.00016; ExAC 0.00017; TOPMed 0.00017; ESP Exome Variant Server 0.00038; 1000 Genomes Project 0.00040.
gnomAD v4.1: 160 of 1,614,108 alleles (0.0099%); highest among the groups gnomAD compares: African/African-American, 0.017%; no homozygotes.

Submissions (10):

ClinGen Rett and Angelman-like Disorders Variant Curation Expert Panel
Classification: Benign for Angelman syndrome. Last evaluated: 2022-08-25. Review status: reviewed by expert panel. Criteria: ClinGen RettAS ACMG Specifications V2. Collection method: curation. Allele origin: germline. Inheritance: Autosomal dominant inheritance.
Comment: The allele frequency of the p.Asn272Ser variant in UBE3A is 0.013% in European (Non-Finnish) sub population in gnomAD, which is high enough to be classified as likely benign based on thresholds defined by the ClinGen Rett/Angelman-like Expert Panel for Rett/AS-like conditions (BS1). The p.Asn272Ser variant is observed in at least 4 unaffected individuals (internal database) (BS2). Computational analysis prediction tools suggest that the p.Asn272Ser variant does not have a deleterious impact; however this information does not predict clinical significance on its own (BP4). In summary, the p.Asn272Ser variant in UBE3A is classified as benign based on the ACMG/AMP criteria (BS1, BS2, BP4).

CeGaT Center for Human Genetics Tuebingen
Classification: Likely benign. Last evaluated: 2026-02-01. Review status: criteria provided, single submitter. Criteria: CeGaT Center For Human Genetics Tuebingen Variant Classification Criteria Version 2. Collection method: clinical testing. Allele origin: germline. Affected: yes. Observed: 1 variant allele. Not counted in ClinVar's aggregate classification.
Comment: UBE3A: BP4

Labcorp Genetics (formerly Invitae), Labcorp
Classification: Likely benign for Angelman syndrome. Last evaluated: 2025-08-22. Review status: criteria provided, single submitter. Criteria: Invitae Variant Classification Sherloc (09022015). Collection method: clinical testing. Allele origin: germline. Not counted in ClinVar's aggregate classification.

Department of Pathology and Laboratory Medicine, Sinai Health System
Classification: Likely benign for Angelman syndrome. Last evaluated: 2022-09-18. Review status: criteria provided, single submitter. Criteria: ACMG Guidelines, 2015. Collection method: research. Allele origin: germline. Not counted in ClinVar's aggregate classification.

Ambry Genetics
Classification: Likely benign for Inborn genetic diseases. Last evaluated: 2022-03-02. Review status: criteria provided, single submitter. Criteria: Ambry Variant Classification Scheme 2023. Collection method: clinical testing. Allele origin: germline. Not counted in ClinVar's aggregate classification.

GeneDx
Classification: Likely benign. Last evaluated: 2019-11-07. Review status: criteria provided, single submitter. Criteria: GeneDx Variant Classification Process June 2021. Collection method: clinical testing. Allele origin: germline. Affected: yes. Not counted in ClinVar's aggregate classification.

Fulgent Genetics
Classification: Uncertain significance for Angelman syndrome. Last evaluated: 2018-10-31. Review status: criteria provided, single submitter. Criteria: ACMG Guidelines, 2015. Collection method: clinical testing. Allele origin: unknown. Not counted in ClinVar's aggregate classification.

Genetic Services Laboratory, University of Chicago
Classification: Uncertain significance for Angelman syndrome. Last evaluated: 2013-02-08. Review status: criteria provided, single submitter. Criteria: ACMG Guidelines, 2007. Collection method: clinical testing. Allele origin: germline. Inheritance: Autosomal dominant inheritance. Not counted in ClinVar's aggregate classification.

PreventionGenetics, part of Exact Sciences
Classification: Likely benign for UBE3A-related condition. Last evaluated: 2020-06-22. Review status: no assertion criteria provided. Collection method: clinical testing. Allele origin: germline. Not counted in ClinVar's aggregate classification.
Comment: This variant is classified as likely benign based on ACMG/AMP sequence variant interpretation guidelines (Richards et al. 2015 PMID: 25741868, with internal and published modifications).

Baylor Genetics
Classification: Uncertain significance for Angelman syndrome. Last evaluated: 2014-02-14. Review status: no assertion criteria provided. Collection method: clinical testing. Allele origin: paternal. Affected: yes. Observed: 1 variant allele. Study: UBE3A Mutation Study. Not counted in ClinVar's aggregate classification.
Comment: possible diagnosis of Angelman syndrome

Data collected from clinical UBE3A sequence analysis results

Literature cited by the submitters: PubMed 25212744 (cited by Baylor Genetics).